The following is an entry in ClinVar:

ClinVar aggregate classification (germline): Uncertain significance (1 of 4 stars; one submission).

Allele frequency attached by ClinVar (database versions not stated): gnomAD 0.00001; TOPMed below 0.00001.
gnomAD v4.1: 10 of 1,552,010 alleles (0.00064%); highest among the groups gnomAD compares: Middle Eastern, 0.017%; no homozygotes.

Submission:

Labcorp Genetics (formerly Invitae), Labcorp
Classification: Uncertain significance. Last evaluated: 2021-07-28. Review status: criteria provided, single submitter. Criteria: Invitae Variant Classification Sherloc (09022015). Collection method: clinical testing. Allele origin: germline.
Comment: This variant has not been reported in the literature in individuals affected with WDR62-related conditions. Algorithms developed to predict the effect of missense changes on protein structure and function are either unavailable or do not agree on the potential impact of this missense change (SIFT: "Tolerated"; PolyPhen-2: "Possibly Damaging"; Align-GVGD: "Class C0"). In summary, the available evidence is currently insufficient to determine the role of this variant in disease. Therefore, it has been classified as a Variant of Uncertain Significance. This variant is not present in population databases (ExAC no frequency). This sequence change replaces proline with arginine at codon 1017 of the WDR62 protein (p.Pro1017Arg). The proline residue is moderately conserved and there is a moderate physicochemical difference between proline and arginine.

NM_001083961.2(WDR62):c.3050C>G (p.Pro1017Arg)

Gene: WDR62 (WD repeat domain 62; plus strand). Cytogenetic location: 19q13.12.
Variant type: single nucleotide variant.
Coding change: c.3050C>G on transcript NM_001083961.2 (MANE Select); coding-DNA position 3050, C replaced by G.
Protein change: p.Pro1017Arg; replaces proline 1017 with arginine.
Molecular consequence: missense variant.
Genome position (GRCh38, 1-based): chr19:36,101,742, C>G. VCF-style: chr19-36101742-C-G. GRCh37 (hg19) VCF-style: chr19-36592644-C-G.
Other names: c.3050C>G, p.Pro1017Arg (NM_173636.5); short protein forms P1017R.
Identifiers: ClinVar variation 1370644 (VCV001370644.6), dbSNP rs1458480400, ClinGen allele CA405449500.